The following is an entry in ClinVar:

NM_015295.3(SMCHD1):c.2702A>C (p.Asn901Thr)

Gene: SMCHD1 (structural maintenance of chromosomes flexible hinge domain containing 1; plus strand). Cytogenetic location: 18p11.32.
Variant type: single nucleotide variant.
Coding change: c.2702A>C on transcript NM_015295.3 (MANE Select); coding-DNA position 2702, A replaced by C.
Protein change: p.Asn901Thr; replaces asparagine 901 with threonine.
Molecular consequence: missense variant.
Genome position (GRCh38, 1-based): chr18:2,726,453, A>C. VCF-style: chr18-2726453-A-C. GRCh37 (hg19) VCF-style: chr18-2726451-A-C.
Other names: short protein forms N901T.
Identifiers: ClinVar variation 4803821 (VCV004803821.1).

ClinVar aggregate classification (germline): Uncertain significance (1 of 4 stars; one submission).

Conditions:
Facioscapulohumeral muscular dystrophy 2 (FSHD2). Also called: FACIOSCAPULOHUMERAL MUSCULAR DYSTROPHY 2, DIGENIC; FSHD2, DIGENIC; MUSCULAR DYSTROPHY, FACIOSCAPULOHUMERAL, TYPE 1B. Identifiers: Orphanet 269, MedGen C1834671, MONDO:0008031, OMIM 158901.

Submission:

Labcorp Genetics (formerly Invitae), Labcorp
Classification: Uncertain significance for Facioscapulohumeral muscular dystrophy 2. Last evaluated: 2025-11-23. Review status: criteria provided, single submitter. Criteria: Invitae Variant Classification Sherloc (09022015). Collection method: clinical testing. Allele origin: germline.
Comment: This sequence change replaces asparagine, which is neutral and polar, with threonine, which is neutral and polar, at codon 901 of the SMCHD1 protein (p.Asn901Thr). This variant is not present in population databases (gnomAD no frequency). This variant has not been reported in the literature in individuals affected with SMCHD1-related conditions. An algorithm developed to predict the effect of missense changes on protein structure and function (PolyPhen-2) suggests that this variant is likely to be disruptive. In summary, the available evidence is currently insufficient to determine the role of this variant in disease. Therefore, it has been classified as a Variant of Uncertain Significance.